The following is an entry in ClinVar:

ClinVar aggregate classification (germline): Uncertain significance (1 of 4 stars; one submission).

Conditions:
Inborn genetic diseases. Identifiers: MedGen C0950123, MeSH D030342.

gnomAD v4.1: 2 of 1,614,122 alleles (0.00012%); highest among the groups gnomAD compares: Admixed American, 0.0017%; no homozygotes.

Submission:

Ambry Genetics
Classification: Uncertain significance for Inborn genetic diseases. Last evaluated: 2025-02-09. Review status: criteria provided, single submitter. Criteria: Ambry Variant Classification Scheme 2023. Collection method: clinical testing. Allele origin: germline.
Comment: The p.K43E variant (also known as c.127A>G), located in coding exon 2 of the CEP57 gene, results from an A to G substitution at nucleotide position 127. The lysine at codon 43 is replaced by glutamic acid, an amino acid with similar properties. This amino acid position is conserved. In addition, the in silico prediction for this alteration is inconclusive. Based on the available evidence, the clinical significance of this variant remains unclear.

NM_014679.5(CEP57):c.127A>G (p.Lys43Glu)

Gene: CEP57 (centrosomal protein 57; plus strand). Cytogenetic location: 11q21.
Variant type: single nucleotide variant.
Coding change: c.127A>G on transcript NM_014679.5 (MANE Select); coding-DNA position 127, A replaced by G.
Protein change: p.Lys43Glu; replaces lysine 43 with glutamic acid.
Molecular consequence: missense variant.
Genome position (GRCh38, 1-based): chr11:95,799,313, A>G. VCF-style: chr11-95799313-A-G. GRCh37 (hg19) VCF-style: chr11-95532477-A-G.
Other names: c.100A>G, p.Lys34Glu (NM_001243776.2); c.127A>G, p.Lys43Glu (NM_001243777.2); c.46A>G, p.Lys16Glu (NM_001363604.2); short protein forms K43E, K16E, K34E.
Identifiers: ClinVar variation 3831993 (VCV003831993.1).